The following is an entry in ClinVar:

NM_001111.5(ADAR):c.1573_1592dup (p.His531fs)

Gene: ADAR (adenosine deaminase RNA specific; minus strand). Cytogenetic location: 1q21.3.
Variant type: Duplication.
Coding change: c.1573_1592dup on transcript NM_001111.5 (MANE Select); coding-DNA positions 1573 to 1592, 20 bases duplicated (GAGCAGAGTGGACCACCCCA).
Protein change: p.His531fs; shifts the reading frame from histidine 531.
Molecular consequence: frameshift variant.
Genome position (GRCh38, 1-based): chr1:154,601,050-154,601,069, TGGGGTGGTCCACTCTGCTC duplicated on the plus strand (GAGCAGAGTGGACCACCCCA on the coding strand, the reverse complement: ADAR is on the minus strand); duplicating any 20 consecutive bases within chr1:154,601,050-154,601,070 gives the same sequence; the c. name uses the placement nearest the transcript's 3' end. VCF-style (leftmost placement, unchanged base first): chr1-154601049-A-ATGGGGTGGTCCACTCTGCTC. GRCh37 (hg19) VCF-style: chr1-154573525-A-ATGGGGTGGTCCACTCTGCTC.
Other names: c.688_707dup, p.His236fs (NM_001025107.3, NM_001193495.2, NM_001365046.1 and 3 more transcripts); c.1600_1619dup, p.His540fs (NM_001365045.1); c.1573_1592dup, p.His531fs (NM_015840.4, NM_015841.4); short protein forms H236fs, H531fs, H540fs.
Identifiers: ClinVar variation 4075408 (VCV004075408.1).

ClinVar aggregate classification (germline): Pathogenic (1 of 4 stars; one submission).

Conditions:
Symmetrical dyschromatosis of extremities (DSH). Also called: DYSCHROMATOSIS SYMMETRICA HEREDITARIA 1; RETICULATE ACROPIGMENTATION OF DOHI; SYMMETRIC DYSCHROMATOSIS OF THE EXTREMITIES; Dyschromatosis symmetrica hereditaria. Identifiers: Orphanet 41, MedGen C0406775, MONDO:0007483, OMIM 127400.

Submission:

Dermatology, The Second Affiliated Hospital of Xi'an Jiaotong University
Classification: Pathogenic for Symmetrical dyschromatosis of extremities. Last evaluated: 2021-08-18. Review status: criteria provided, single submitter. Criteria: ACMG Guidelines, 2015. Collection method: clinical testing. Allele origin: germline. Affected: yes. Observed: 2 variant alleles.
Comment: Frameshift duplication c.1573_1592dupis classified as Pathogenic for autosomal dominant Dyschromatosis symmetrica hereditaria (DSH; OMIM 127400). This variant is predicted to cause a frameshift and premature termination (p.[(frameshift peptide);Ter?]), leading to loss of function via nonsense-mediated mRNA decay. ADAR loss of function is a known mechanism for AD DSH, likely through haploinsufficiency (PVS1; Very Strongweight). The variant is absent or extremely rare in population databases (PM2). The presence in multiple affected relatives, specifically the direct parent-offspring transmission (PP1_Supporting), strongly supports segregation with the disease under an autosomal dominant model (PS4_Moderate/1.0 point). Patient phenotypes were consistent with DSH (PP4). There is no evidence to suggest this variant is benign. The combined evidence (PVS1_VS+ PP1_S+ PM2+ PP4+ PS4_M) far exceeds the threshold for Pathogenic.